The following is an entry in ClinVar:

ClinVar aggregate classification (germline): Pathogenic/Likely pathogenic. Review status: criteria provided, multiple submitters, no conflicts (2 of 4 stars). 4 submissions from 4 submitters: Pathogenic (1); Likely pathogenic (2). Last evaluated 2024-03-19.

Conditions:
Autosomal dominant pseudohypoaldosteronism type 1. Also called: PHA I, AUTOSOMAL DOMINANT; Pseudohypoaldosteronism, Type I, Dominant; Pseudohypoaldosteronism, Type I, Autosomal Dominant. Identifiers: Orphanet 171871, Orphanet 756, MedGen C1449842, MONDO:0008329, OMIM 177735.
NEURODEVELOPMENTAL DISORDER WITHOUT AUTISM OR SEIZURES.

Submissions (3):

GeneDx
Classification: Pathogenic. Last evaluated: 2024-03-19. Review status: criteria provided, single submitter. Criteria: GeneDx Variant Classification Process June 2021. Collection method: clinical testing. Allele origin: germline. Affected: yes.
Comment: Identified by exome sequencing in an individual with absent thumb, speech delays, failure to thrive, and microcephaly who also had other variants of uncertain significance in other genes (PMID: 30311385); Identified in a patient with an autism spectrum disorder; however, segregation information was not available (PMID: 31038196); Not observed in large population cohorts (gnomAD); In silico analysis supports that this missense variant has a deleterious effect on protein structure/function; This variant is associated with the following publications: (PMID: 30311385, 31038196)

Mendelics
Classification: Likely pathogenic for Autosomal dominant pseudohypoaldosteronism type 1. Last evaluated: 2019-05-28. Review status: criteria provided, single submitter. Criteria: Mendelics Assertion Criteria 2017. Collection method: clinical testing. Allele origin: unknown.

Center for Pediatric Genomic Medicine, Children's Mercy Hospital and Clinics
Classification: Likely pathogenic. Last evaluated: 2018-06-21-05:00. Review status: criteria provided, single submitter. Criteria: ACMG Guidelines, 2015. Collection method: clinical testing. Allele origin: de novo.

NM_003590.5(CUL3):c.173A>G (p.Tyr58Cys)

Gene: CUL3 (cullin 3; minus strand). Cytogenetic location: 2q36.2.
Variant type: single nucleotide variant.
Coding change: c.173A>G on transcript NM_003590.5 (MANE Select); coding-DNA position 173, A replaced by G.
Protein change: p.Tyr58Cys; replaces tyrosine 58 with cysteine.
Molecular consequence: missense variant. On other transcripts: intron variant (1).
Genome position (GRCh38, 1-based): chr2:224,557,750, T>C on the plus strand (A>G on the coding strand, the complement: CUL3 is on the minus strand). VCF-style: chr2-224557750-T-C. GRCh37 (hg19) VCF-style: chr2-225422467-T-C.
Other names: c.191A>G, p.Tyr64Cys (NM_001257198.2); c.67-22109A>G (NM_001257197.2); c.173A>G (NM_003590.4); short protein forms Y58C, Y64C.
Identifiers: ClinVar variation 559557 (VCV000559557.12), dbSNP rs1553535841, ClinGen allele CA351130799.